The following is an entry in ClinVar:

NM_014712.3(SETD1A):c.4428A>G (p.Pro1476=)

Gene: SETD1A (SET domain containing 1A, histone lysine methyltransferase; plus strand). Cytogenetic location: 16p11.2.
Variant type: single nucleotide variant.
Coding change: c.4428A>G on transcript NM_014712.3 (MANE Select); coding-DNA position 4428, A replaced by G.
Protein change: p.Pro1476=; no amino-acid change (proline 1476 retained).
Molecular consequence: synonymous variant.
Genome position (GRCh38, 1-based): chr16:30,980,504, A>G. VCF-style: chr16-30980504-A-G. GRCh37 (hg19) VCF-style: chr16-30991825-A-G.
Identifiers: ClinVar variation 3040808 (VCV003040808.3), dbSNP rs146489114, ClinGen allele CA8017566.

ClinVar aggregate classification (germline): Likely benign. Review status: criteria provided, single submitter (1 of 4 stars). 2 submissions from 2 submitters: Likely benign (1). 1 of the submissions does not count toward it. Last evaluated 2023-12-07.

Conditions:
SETD1A-related disorder. Also called: SETD1A-related condition.

Allele frequency attached by ClinVar (database versions not stated): gnomAD exomes 0.00001; ExAC 0.00005; ESP Exome Variant Server 0.00008; gnomAD 0.00025; TOPMed 0.00025; 1000 Genomes Project 30x 0.00031; 1000 Genomes Project 0.00040.
gnomAD v4.1: 61 of 1,613,904 alleles (0.0038%); highest among the groups gnomAD compares: African/African-American, 0.077%; 1 homozygote.

Submissions (2):

Blueprint Genetics
Classification: Likely benign. Last evaluated: 2023-12-07. Review status: criteria provided, single submitter. Criteria: ACMG Guidelines, 2015. Collection method: clinical testing. Allele origin: germline.

PreventionGenetics, part of Exact Sciences
Classification: Likely benign for SETD1A-related condition. Last evaluated: 2019-09-19. Review status: no assertion criteria provided. Collection method: clinical testing. Allele origin: germline. Not counted in ClinVar's aggregate classification.
Comment: This variant is classified as likely benign based on ACMG/AMP sequence variant interpretation guidelines (Richards et al. 2015 PMID: 25741868, with internal and published modifications).